The following is an entry in ClinVar:

ClinVar aggregate classification (germline): Uncertain significance (1 of 4 stars; one submission).

Submission:

GeneDx
Classification: Uncertain significance. Last evaluated: 2023-12-11. Review status: criteria provided, single submitter. Criteria: GeneDx Variant Classification Process June 2021. Collection method: clinical testing. Allele origin: germline. Affected: yes.
Comment: Not observed at significant frequency in large population cohorts (gnomAD); In silico analysis supports that this missense variant has a deleterious effect on protein structure/function; Has not been previously published as pathogenic or benign to our knowledge

NM_001271.4(CHD2):c.1535G>A (p.Gly512Asp)

Gene: CHD2 (chromodomain helicase DNA binding protein 2; plus strand). Cytogenetic location: 15q26.1.
Variant type: single nucleotide variant.
Coding change: c.1535G>A on transcript NM_001271.4 (MANE Select); coding-DNA position 1535, G replaced by A.
Protein change: p.Gly512Asp; replaces glycine 512 with aspartic acid.
Molecular consequence: missense variant.
Genome position (GRCh38, 1-based): chr15:92,953,389, G>A. VCF-style: chr15-92953389-G-A. GRCh37 (hg19) VCF-style: chr15-93496619-G-A.
Other names: short protein forms G512D.
Identifiers: ClinVar variation 3253389 (VCV003253389.1), dbSNP rs2053579153.